The following is an entry in ClinVar:

ClinVar aggregate classification (germline): Uncertain significance (1 of 4 stars; one submission).

Submission:

Labcorp Genetics (formerly Invitae), Labcorp
Classification: Uncertain significance. Last evaluated: 2023-06-19. Review status: criteria provided, single submitter. Criteria: Invitae Variant Classification Sherloc (09022015). Collection method: clinical testing. Allele origin: germline.
Comment: In summary, the available evidence is currently insufficient to determine the role of this variant in disease. Therefore, it has been classified as a Variant of Uncertain Significance. Algorithms developed to predict the effect of sequence changes on RNA splicing suggest that this variant may disrupt the consensus splice site. This variant has not been reported in the literature in individuals affected with JAK2-related conditions. This variant is not present in population databases (gnomAD no frequency). This sequence change affects an acceptor splice site in intron 7 of the JAK2 gene. It is expected to disrupt RNA splicing. Variants that disrupt the donor or acceptor splice site typically lead to a loss of protein function (PMID: 16199547), however the current clinical and genetic evidence is not sufficient to establish whether loss-of-function variants in JAK2 cause disease.

Literature cited by the submitters: PubMed 16199547.

NM_004972.4(JAK2):c.937-1G>C

Genes: INSL6 (insulin like 6; minus strand), JAK2 (Janus kinase 2; plus strand). Cytogenetic location: 9p24.1.
Variant type: single nucleotide variant.
Coding change: c.937-1G>C on transcript NM_004972.4 (MANE Select); the canonical splice acceptor site of the intron before coding-DNA position 937, G replaced by C.
Molecular consequence: splice acceptor variant.
Genome position (GRCh38, 1-based): chr9:5,055,668, G>C. VCF-style: chr9-5055668-G-C. GRCh37 (hg19) VCF-style: chr9-5055668-G-C.
Other names: c.937-1G>C (NM_001322194.2, NM_001322195.2, NM_001322196.2); c.-279-1G>C (NM_001322198.2, NM_001322199.2); c.490-1G>C (NM_001322204.2).
Identifiers: ClinVar variation 2711816 (VCV002711816.3), dbSNP rs2488977229, ClinGen allele CA372821208.
Genomic context (GRCh38, chr9:5,055,668, plus strand): 5'-TTGTTTTAAAATGGCTCTGTAAATTCTACCCGTTTTTAATTTTACATGCTTTTAATTATA[G>C]GATTTACAGTTATATTGCGATTTTCCTAATATTATTGATGTCAGTATTAAGCAAGCAAAC-3'